The following is an entry in ClinVar:

ClinVar aggregate classification (germline): Conflicting classifications of pathogenicity. Review status: criteria provided, conflicting classifications (1 of 4 stars). 2 submissions from 2 submitters: Uncertain significance (1); Likely benign (1). Last evaluated 2025-02-26.

Allele frequency attached by ClinVar (database versions not stated): ExAC 0.00006; ESP Exome Variant Server 0.00031.
gnomAD v4.1: 71 of 1,613,674 alleles (0.0044%); highest among the groups gnomAD compares: African/African-American, 0.0067%; no homozygotes.

Submissions (2):

Labcorp Genetics (formerly Invitae), Labcorp
Classification: Uncertain significance. Last evaluated: 2025-02-26. Review status: criteria provided, single submitter. Criteria: Invitae Variant Classification Sherloc (09022015). Collection method: clinical testing. Allele origin: germline.
Comment: This sequence change replaces valine, which is neutral and non-polar, with isoleucine, which is neutral and non-polar, at codon 224 of the STEAP3 protein (p.Val224Ile). This variant is present in population databases (rs139584756, gnomAD 0.008%). This variant has not been reported in the literature in individuals affected with STEAP3-related conditions. ClinVar contains an entry for this variant (Variation ID: 2394771). An algorithm developed to predict the effect of missense changes on protein structure and function outputs the following: PolyPhen-2: "Benign". The isoleucine amino acid residue is found in multiple mammalian species, which suggests that this missense change does not adversely affect protein function. In summary, the available evidence is currently insufficient to determine the role of this variant in disease. Therefore, it has been classified as a Variant of Uncertain Significance.

Ambry Genetics
Classification: Likely benign. Last evaluated: 2022-03-29. Review status: criteria provided, single submitter. Criteria: Ambry Variant Classification Scheme 2023. Collection method: clinical testing. Allele origin: germline.

NM_182915.3(STEAP3):c.700G>A (p.Val234Ile)

Genes: STEAP3 (STEAP3 metalloreductase; plus strand), STEAP3-AS1 (STEAP3 antisense RNA 1; minus strand). Cytogenetic location: 2q14.2.
Variant type: single nucleotide variant.
Coding change: c.700G>A on transcript NM_182915.3 (MANE Select); coding-DNA position 700, G replaced by A.
Protein change: p.Val234Ile; replaces valine 234 with isoleucine.
Molecular consequence: missense variant.
Genome position (GRCh38, 1-based): chr2:119,247,856, G>A. VCF-style: chr2-119247856-G-A. GRCh37 (hg19) VCF-style: chr2-120005432-G-A.
Other names: c.670G>A, p.Val224Ile (NM_001008410.2, NM_018234.3, NM_138637.3); short protein forms V224I, V234I.
Identifiers: ClinVar variation 2394771 (VCV002394771.3), dbSNP rs139584756, ClinGen allele CA1846679.